The following is an entry in ClinVar:

ClinVar aggregate classification (germline): Uncertain significance (1 of 4 stars; one submission).

Submission:

GeneDx
Classification: Uncertain significance. Last evaluated: 2024-05-31. Review status: criteria provided, single submitter. Criteria: GeneDx Variant Classification Process June 2021. Collection method: clinical testing. Allele origin: germline. Affected: yes.
Comment: Not observed at significant frequency in large population cohorts (gnomAD); In silico analysis indicates that this missense variant does not alter protein structure/function; Has not been previously published as pathogenic or benign to our knowledge

NM_003239.5(TGFB3):c.10C>A (p.His4Asn)

Gene: TGFB3 (transforming growth factor beta 3; minus strand). Cytogenetic location: 14q24.3.
Variant type: single nucleotide variant.
Coding change: c.10C>A on transcript NM_003239.5 (MANE Select); coding-DNA position 10, C replaced by A.
Protein change: p.His4Asn; replaces histidine 4 with asparagine.
Molecular consequence: missense variant.
Genome position (GRCh38, 1-based): chr14:75,980,884, G>T on the plus strand (C>A on the coding strand, the complement: TGFB3 is on the minus strand). VCF-style: chr14-75980884-G-T. GRCh37 (hg19) VCF-style: chr14-76447227-G-T.
Other names: c.10C>A, p.His4Asn (NM_001329938.2, NM_001329939.2); short protein forms H4N.
Identifiers: ClinVar variation 3383721 (VCV003383721.1).